The following is an entry in ClinVar:

NM_000233.4(LHCGR):c.947+4_947+7del

Genes: STON1-GTF2A1L (STON1-GTF2A1L readthrough; plus strand), LHCGR (luteinizing hormone/choriogonadotropin receptor; minus strand). Cytogenetic location: 2p16.3.
Variant type: Deletion.
Coding change: c.947+4_947+7del on transcript NM_000233.4 (MANE Select); bases 4 to 7 of the intron after coding-DNA position 947, 4 bases deleted (AGTA; older notation c.947+4_947+7delAGTA).
Molecular consequence: splice donor variant. On other transcripts: intron variant (1).
Genome position (GRCh38, 1-based): chr2:48,694,217-48,694,220, TACT deleted on the plus strand (AGTA on the coding strand, the reverse complement: LHCGR is on the minus strand); deleting any 4 consecutive bases within chr2:48,694,217-48,694,223 gives the same sequence; the c. name uses the placement nearest the transcript's 3' end. VCF-style (leftmost placement, unchanged base first): chr2-48694216-ATACT-A. GRCh37 (hg19) VCF-style: chr2-48921355-ATACT-A.
Other names: c.3441+22540_3441+22543del (NM_001198593.2).
Identifiers: ClinVar variation 827819 (VCV000827819.5), dbSNP rs1572817589, ClinGen allele CA915943912.
Genomic context (GRCh38, chr2:48,694,216, plus strand): 5'-GATGCTGATAATAAGGTGCACACAGAACAAGATACGACTTCTGAGTTTCCTTGCATGCAA[ATACT>A]TACAGTGTTTTGTTATTCACTTTCCTTACTGTGCTTTCACATTGTTTGGAAAAGTTTTCA-3'

ClinVar aggregate classification (germline): Conflicting classifications of pathogenicity. Review status: criteria provided, conflicting classifications (1 of 4 stars). 2 submissions from 2 submitters: Likely pathogenic (1); Uncertain significance (1). Last evaluated 2019-08-09.

Conditions:
Leydig cell agenesis. Also called: LEYDIG CELL HYPOPLASIA WITH MALE PSEUDOHERMAPHRODITISM; LEYDIG CELL HYPOPLASIA, COMPLETE; HYPERGONADOTROPIC HYPOGONADISM, MALE, DUE TO LHCGR DEFECT; Leydig cell hypoplasia, type 1. Identifiers: MedGen C0266432, MONDO:0009384, OMIM 238320.
Gonadotropin-independent familial sexual precocity. Also called: Familial male-limited precocious puberty; TESTOTOXICOSIS, FAMILIAL. Identifiers: Orphanet 3000, MedGen C0342549, MONDO:0008303, OMIM 176410.

Submissions (2):

Equipe Genetique des Anomalies du Developpement, Université de Bourgogne
Classification: Likely pathogenic for Leydig cell agenesis. Last evaluated: 2019-08-09. Review status: criteria provided, single submitter. Criteria: ACMG Guidelines, 2015. Collection method: clinical testing. Allele origin: paternal. Affected: yes.

Centre for Mendelian Genomics, University Medical Centre Ljubljana
Classification: Uncertain significance for Gonadotropin-independent familial sexual precocity. Last evaluated: 2019-02-21. Review status: criteria provided, single submitter. Criteria: ACMG Guidelines, 2015. Collection method: clinical testing. Allele origin: unknown. Affected: yes.
Comment: This variant was classified as: Uncertain significance. The following ACMG criteria were applied in classifying this variant: PM2.